The following is an entry in ClinVar:

ClinVar aggregate classification (somatic clinical impact): Tier I - Strong (1 of 4 stars; one submission).

Conditions:
Medulloblastoma WNT activated. Identifiers: MedGen C4331965, MONDO:0850196.

Submission:

Institute for Genomic Medicine (IGM) Clinical Laboratory, Nationwide Children's Hospital
Classification: Tier I - Strong for Medulloblastoma WNT activated. Assertion type: diagnostic. Clinical significance: supports diagnosis. Last evaluated: 2023-01-25. Review status: criteria provided, single submitter. Criteria: AMP/ASCO/CAP Guidelines, 2017. Collection method: clinical testing. Allele origin: somatic. Affected: yes.
Comment: Variant has Tier I (strong) clinical significance as a diagnostic inclusion criterion in medulloblastoma WNT activated, based on the following evidence: 1) Appears in one or more well-established professional guidelines (e.g., World Health Organization [WHO]; National Comprehensive Cancer Network [NCCN]) as providing diagnostic, prognostic, or therapeutic information. 2) Information in the literature supports potential biologic effect of variant (PMIDs: 22820256, 33627125). 3) Diagnostic for a specific tumor type/classification based on well-powered studies with expert-level consensus (Evidence Level B; PMIDs: 22832583, 22722829, 28726821, 31574483, 22820256).

Literature cited by the submitters: PubMed 22820256; PubMed 33627125; PubMed 22832583; PubMed 22722829; PubMed 28726821; PubMed 31574483.

NM_001356.5(DDX3X):c.820C>A (p.Pro274Thr)

Gene: DDX3X (DEAD-box helicase 3 X-linked; plus strand). Cytogenetic location: Xp11.4.
Variant type: single nucleotide variant.
Coding change: c.820C>A on transcript NM_001356.5 (MANE Select); coding-DNA position 820, C replaced by A.
Protein change: p.Pro274Thr; replaces proline 274 with threonine.
Molecular consequence: missense variant. On other transcripts: non-coding transcript variant (1).
Genome position (GRCh38, 1-based): chrX:41,344,084, C>A. VCF-style: chrX-41344084-C-A. GRCh37 (hg19) VCF-style: chrX-41203337-C-A.
Other names: c.820C>A, p.Pro274Thr (NM_001193416.3); c.772C>A, p.Pro258Thr (NM_001193417.3); c.262C>A, p.Pro88Thr (NM_001363819.1); short protein forms P258T, P274T, P88T.
Identifiers: ClinVar variation 4530064 (VCV004530064.1).
Genomic context (GRCh38, chrX:41,344,084, plus strand): 5'-TCTTAGGAAAATGGAAGGTATGGGCGCCGCAAACAATACCCAATCTCCTTGGTATTAGCA[C>A]CAACGAGAGAGTTGGCAGTACAGATCTACGAGGAAGCCAGAAAAGTAAGTATGAGTTCCA-3'
Protein context (NP_001347.3, residues 264-284): KQYPISLVLA[Pro274Thr]TRELAVQIYE